The following is an entry in ClinVar:

NM_001083619.3(GRIA2):c.667-1G>C

Gene: GRIA2 (glutamate ionotropic receptor AMPA type subunit 2; plus strand). Cytogenetic location: 4q32.1.
Variant type: single nucleotide variant.
Coding change: c.667-1G>C on transcript NM_001083619.3 (MANE Select); the canonical splice acceptor site of the intron before coding-DNA position 667, G replaced by C.
Molecular consequence: splice acceptor variant.
Genome position (GRCh38, 1-based): chr4:157,317,657, G>C. VCF-style: chr4-157317657-G-C. GRCh37 (hg19) VCF-style: chr4-158238809-G-C.
Other names: c.526-1G>C (NM_001379000.3, NM_001379001.3, NM_001083620.3); c.667-1G>C (NM_000826.6).
Identifiers: ClinVar variation 4991092 (VCV004991092.1).

ClinVar aggregate classification (germline): Uncertain significance (1 of 4 stars; one submission).

Conditions:
GRIA2-related disorder. Also called: GRIA2-related condition.

Submission:

PreventionGenetics, part of Exact Sciences
Classification: Uncertain significance for GRIA2-related condition. Last evaluated: 2026-01-30. Review status: criteria provided, single submitter. Criteria: ACMG Guidelines, 2015. Collection method: clinical testing. Allele origin: germline.
Comment: The GRIA2 c.667-1G>C variant is predicted to disrupt the AG splice acceptor site and interfere with normal splicing. To our knowledge, this variant has not been reported in the literature or in a large population database (gnomAD), indicating this variant is rare. Loss of function variants in GRIA2 are an established mechanism of disease however, it is uncertain if this variant would result in a skip of exon 5, which is an in-frame exon. Although we suspect that this variant may be pathogenic, at this time, the clinical significance of this variant is uncertain due to the absence of conclusive functional and genetic evidence.